The following is an entry in ClinVar:

ClinVar aggregate classification (germline): Uncertain significance. Review status: criteria provided, multiple submitters, no conflicts (2 of 4 stars). 3 submissions from 3 submitters: Uncertain significance (3). Last evaluated 2025-02-09.

Conditions:
Hereditary cancer-predisposing syndrome. Also called: Neoplastic Syndromes, Hereditary; Tumor predisposition; Hereditary Cancer Syndrome; Hereditary neoplastic syndrome. Identifiers: Orphanet 140162, MedGen C0027672, MeSH D009386, MONDO:0015356.
Parathyroid carcinoma (PRTC). Also called: CDC73-Related Parathyroid Carcinoma; Parathyroid gland carcinoma. Identifiers: Orphanet 143, MedGen C0687150, MONDO:0012004, OMIM 608266, HP:0006780.

gnomAD v4.1: 8 of 1,605,144 alleles (0.0005%); highest among the groups gnomAD compares: Non-Finnish European, 0.00068%; no homozygotes.

Submissions (3):

Labcorp Genetics (formerly Invitae), Labcorp
Classification: Uncertain significance for Parathyroid carcinoma. Last evaluated: 2025-02-09. Review status: criteria provided, single submitter. Criteria: Invitae Variant Classification Sherloc (09022015). Collection method: clinical testing. Allele origin: germline.
Comment: This sequence change replaces isoleucine, which is neutral and non-polar, with methionine, which is neutral and non-polar, at codon 362 of the CDC73 protein (p.Ile362Met). This variant is not present in population databases (gnomAD no frequency). This variant has not been reported in the literature in individuals affected with CDC73-related conditions. ClinVar contains an entry for this variant (Variation ID: 1787655). Invitae Evidence Modeling of protein sequence and biophysical properties (such as structural, functional, and spatial information, amino acid conservation, physicochemical variation, residue mobility, and thermodynamic stability) indicates that this missense variant is expected to disrupt CDC73 protein function with a positive predictive value of 80%. In summary, the available evidence is currently insufficient to determine the role of this variant in disease. Therefore, it has been classified as a Variant of Uncertain Significance.

GeneDx
Classification: Uncertain significance. Last evaluated: 2024-05-06. Review status: criteria provided, single submitter. Criteria: GeneDx Variant Classification Process June 2021. Collection method: clinical testing. Allele origin: germline. Affected: yes.
Comment: Not observed at significant frequency in large population cohorts (gnomAD); In silico analysis supports that this missense variant has a deleterious effect on protein structure/function; Has not been previously published as pathogenic or benign to our knowledge; This variant is associated with the following publications: (PMID: 15923622, 15632063)

Ambry Genetics
Classification: Uncertain significance for Hereditary cancer-predisposing syndrome. Last evaluated: 2022-06-12. Review status: criteria provided, single submitter. Criteria: Ambry Variant Classification Scheme 2023. Collection method: clinical testing. Allele origin: germline.
Comment: The p.I362M variant (also known as c.1086C>G), located in coding exon 13 of the CDC73 gene, results from a C to G substitution at nucleotide position 1086. The isoleucine at codon 362 is replaced by methionine, an amino acid with highly similar properties. This amino acid position is conserved. In addition, the in silico prediction for this alteration is inconclusive. Since supporting evidence is limited at this time, the clinical significance of this alteration remains unclear.

NM_024529.5(CDC73):c.1086C>G (p.Ile362Met)

Gene: CDC73 (cell division cycle 73; plus strand). Cytogenetic location: 1q31.2.
Variant type: single nucleotide variant.
Coding change: c.1086C>G on transcript NM_024529.5 (MANE Select); coding-DNA position 1086, C replaced by G.
Protein change: p.Ile362Met; replaces isoleucine 362 with methionine.
Molecular consequence: missense variant.
Genome position (GRCh38, 1-based): chr1:193,212,409, C>G. VCF-style: chr1-193212409-C-G. GRCh37 (hg19) VCF-style: chr1-193181539-C-G.
Other names: short protein forms I362M.
Identifiers: ClinVar variation 1787655 (VCV001787655.4), dbSNP rs745440665, ClinGen allele CA344077543.
Genomic context (GRCh38, chr1:193,212,409, plus strand): 5'-TCTAATAATATATTTTCTACCTGTAAATTTTGTCTTTATAGGATCTCGAACACCCATTAT[C>G]ATAATTCCTGCAGCTACCACCTCTTTAATAACCATGCTTAATGCAAAAGACCTTCTACAG-3'
Protein context (NP_078805.3, residues 352-372): NQKKGSRTPI[Ile362Met]IIPAATTSLI